The following is an entry in ClinVar:

ClinVar aggregate classification (germline): Uncertain significance (1 of 4 stars; one submission).

Submission:

Labcorp Genetics (formerly Invitae), Labcorp
Classification: Uncertain significance. Last evaluated: 2023-07-17. Review status: criteria provided, single submitter. Criteria: Invitae Variant Classification Sherloc (09022015). Collection method: clinical testing. Allele origin: germline.
Comment: This variant has not been reported in the literature in individuals affected with USH2A-related conditions. ClinVar contains an entry for this variant (Variation ID: 957519). This variant is not present in population databases (gnomAD no frequency). Advanced modeling of protein sequence and biophysical properties (such as structural, functional, and spatial information, amino acid conservation, physicochemical variation, residue mobility, and thermodynamic stability) performed at Invitae indicates that this missense variant is not expected to disrupt USH2A protein function. In summary, the available evidence is currently insufficient to determine the role of this variant in disease. Therefore, it has been classified as a Variant of Uncertain Significance. This sequence change replaces glutamic acid, which is acidic and polar, with alanine, which is neutral and non-polar, at codon 74 of the USH2A protein (p.Glu74Ala).

NM_206933.4(USH2A):c.221A>C (p.Glu74Ala)

Gene: USH2A (usherin; minus strand). Cytogenetic location: 1q41.
Variant type: single nucleotide variant.
Coding change: c.221A>C on transcript NM_206933.4 (MANE Select); coding-DNA position 221, A replaced by C.
Protein change: p.Glu74Ala; replaces glutamic acid 74 with alanine.
Molecular consequence: missense variant.
Genome position (GRCh38, 1-based): chr1:216,422,116, T>G on the plus strand (A>C on the coding strand, the complement: USH2A is on the minus strand). VCF-style: chr1-216422116-T-G. GRCh37 (hg19) VCF-style: chr1-216595458-T-G.
Other names: c.221A>C, p.Glu74Ala (NM_007123.6); short protein forms E74A.
Identifiers: ClinVar variation 957519 (VCV000957519.9), dbSNP rs774419989, ClinGen allele CA344904479.